The following is an entry in ClinVar:

NM_001164508.2(NEB):c.2856del (p.Asp951_Tyr952insTer)

Gene: NEB (nebulin; minus strand). Cytogenetic location: 2q23.3.
Variant type: Deletion.
Coding change: c.2856del on transcript NM_001164508.2 (MANE Select); coding-DNA position 2856, one base deleted (C; older notation c.2856delC).
Protein change: p.Asp951_Tyr952insTer.
Molecular consequence: nonsense.
Genome position (GRCh38, 1-based): chr2:151,682,749, G deleted on the plus strand (C on the coding strand, the reverse complement: NEB is on the minus strand). VCF-style (leftmost placement, unchanged base first): chr2-151682748-TG-T. GRCh37 (hg19) VCF-style: chr2-152539262-TG-T.
Other names: c.2856del, p.Asp951_Tyr952insTer (NM_001164507.2, NM_001271208.2, NM_004543.5).
Identifiers: ClinVar variation 5004791 (VCV005004791.1).
Genomic context (GRCh38, chr2:151,682,748, plus strand): 5'-TTGCCTTTTCCATTTCTAAGGACCCAAAAGGCACCCAGCCACAACCTTTCATCCAGCTAT[TG>T]TAGTCAGCTTTGTATTCAACCTAAAACACCAAGAGAAAGGTTACATTTCTTTGCTGTGTC-3'

ClinVar aggregate classification (germline): Pathogenic (1 of 4 stars; one submission).

Conditions:
Nemaline myopathy 2 (NEM2). Also called: Nemaline myopathy 2, autosomal recessive. Identifiers: MedGen C1850569, MONDO:0009725, OMIM 256030.

Submission:

Myriad Genetics, Inc.
Classification: Pathogenic for Nemaline myopathy 2. Last evaluated: 2026-07-15. Review status: criteria provided, single submitter. Criteria: Myriad Autosomal Dominant, Autosomal Recessive and X-Linked Classification Criteria (2023). Collection method: clinical testing. Allele origin: unknown.
Comment: NM_001271208.1(NEB):c.2856delC(Y952*) is a frameshift variant classified as pathogenic in the context of NEB-related nemaline myopathy. Y952* has not been observed in cases with relevant disease. Relevant functional assessments of this variant are not available in the literature. Y952* has not been observed in referenced population frequency databases. In summary, NM_001271208.1(NEB):c.2856delC(Y952*) is a frameshift variant in a gene where loss of function is a known mechanism of disease and is predicted to disrupt protein function. Please note: this variant was assessed in the context of healthy population screening.